The following is an entry in ClinVar:

NM_001277115.2(DNAH11):c.11679G>A (p.Thr3893=)

Gene: DNAH11 (dynein axonemal heavy chain 11; plus strand). Cytogenetic location: 7p15.3.
Variant type: single nucleotide variant.
Coding change: c.11679G>A on transcript NM_001277115.2 (MANE Select); coding-DNA position 11679, G replaced by A.
Protein change: p.Thr3893=; no amino-acid change (threonine 3893 retained).
Molecular consequence: synonymous variant.
Genome position (GRCh38, 1-based): chr7:21,866,652, G>A. VCF-style: chr7-21866652-G-A. GRCh37 (hg19) VCF-style: chr7-21906270-G-A.
Other names: c.11679G>A (NM_001277115.1); c.11700G>A, p.Thr3900= (NM_003777.3).
Identifiers: ClinVar variation 2831502 (VCV002831502.5), dbSNP rs568377103, ClinGen allele CA4182827.

ClinVar aggregate classification (germline): Benign. Review status: criteria provided, single submitter (1 of 4 stars). 2 submissions from 2 submitters: Benign (1). 1 of the submissions does not count toward it. Last evaluated 2025-08-31.

Conditions:
DNAH11-related disorder. Also called: DNAH11-related condition.
Primary ciliary dyskinesia. Also called: Ciliary dyskinesia. Identifiers: Orphanet 244, MedGen C0008780, MONDO:0016575, HP:0012265.

Allele frequency attached by ClinVar (database versions not stated): gnomAD 0.00003; ExAC 0.00009; 1000 Genomes Project 0.00020; 1000 Genomes Project 30x 0.00031.
gnomAD v4.1: 41 of 1,611,734 alleles (0.0025%); highest among the groups gnomAD compares: South Asian, 0.03%; no homozygotes.

Submissions (2):

Labcorp Genetics (formerly Invitae), Labcorp
Classification: Benign for Primary ciliary dyskinesia. Last evaluated: 2025-08-31. Review status: criteria provided, single submitter. Criteria: Invitae Variant Classification Sherloc (09022015). Collection method: clinical testing. Allele origin: germline.

PreventionGenetics, part of Exact Sciences
Classification: Likely benign for DNAH11-related condition. Last evaluated: 2019-05-20. Review status: no assertion criteria provided. Collection method: clinical testing. Allele origin: germline. Not counted in ClinVar's aggregate classification.
Comment: This variant is classified as likely benign based on ACMG/AMP sequence variant interpretation guidelines (Richards et al. 2015 PMID: 25741868, with internal and published modifications).